The following is an entry in ClinVar:

NM_001267550.2(TTN):c.68993C>A (p.Ser22998Ter)

Genes: TTN (titin; minus strand), TTN-AS1 (TTN antisense RNA 1; plus strand). Cytogenetic location: 2q31.2.
Variant type: single nucleotide variant.
Coding change: c.68993C>A on transcript NM_001267550.2 (MANE Select); coding-DNA position 68993, C replaced by A.
Protein change: p.Ser22998Ter; replaces serine 22998 with a stop codon.
Molecular consequence: nonsense.
Genome position (GRCh38, 1-based): chr2:178,577,342, G>T on the plus strand (C>A on the coding strand, the complement: TTN is on the minus strand). VCF-style: chr2-178577342-G-T. GRCh37 (hg19) VCF-style: chr2-179442069-G-T.
Other names: c.64070C>A, p.Ser21357Ter (NM_001256850.1); c.41798C>A, p.Ser13933Ter (NM_003319.4); c.61289C>A, p.Ser20430Ter (NM_133378.4); c.42173C>A, p.Ser14058Ter (NM_133432.3); c.42374C>A, p.Ser14125Ter (NM_133437.4); short protein forms S14125*, S20430*, S21357*, S13933*, S14058*, S22998*.
Identifiers: ClinVar variation 1738465 (VCV001738465.3), dbSNP rs2468776213, ClinGen allele CA349670562.

ClinVar aggregate classification (germline): Likely pathogenic. Review status: criteria provided, multiple submitters, no conflicts (2 of 4 stars). 2 submissions from 2 submitters: Likely pathogenic (2). Last evaluated 2025-05-17.

Conditions:
Autosomal recessive limb-girdle muscular dystrophy type 2J (LGMDR10). Also called: MUSCULAR DYSTROPHY, LIMB-GIRDLE, AUTOSOMAL RECESSIVE 10; Limb-girdle muscular dystrophy, type 2J. Identifiers: Orphanet 140922, MedGen C1837342, MONDO:0012127, OMIM 608807.
Dilated cardiomyopathy 1G (CMD1G). Identifiers: Orphanet 154, MedGen C1858763, MONDO:0011400, OMIM 604145.
Cardiovascular phenotype. Identifiers: MedGen CN230736.

Submissions (2):

Labcorp Genetics (formerly Invitae), Labcorp
Classification: Likely pathogenic for Dilated cardiomyopathy 1G; Autosomal recessive limb-girdle muscular dystrophy type 2J. Last evaluated: 2025-05-17. Review status: criteria provided, single submitter. Criteria: Invitae Variant Classification Sherloc (09022015). Collection method: clinical testing. Allele origin: germline.
Comment: This sequence change creates a premature translational stop signal (p.Ser22998*) in the TTN gene. While this is not anticipated to result in nonsense mediated decay, it is expected to create a truncated TTN protein. This variant is not present in population databases (gnomAD no frequency). This variant has not been reported in the literature in individuals affected with TTN-related conditions. ClinVar contains an entry for this variant (Variation ID: 1738465). This variant is located in the A band of TTN (PMID: 25589632). Truncating variants in this region are significantly overrepresented in patients affected with dilated cardiomyopathy (PMID: 25589632). Truncating variants in this region have also been reported in individuals affected with autosomal recessive centronuclear myopathy (PMID: 23975875). In summary, the currently available evidence indicates that the variant is pathogenic, but additional data are needed to prove that conclusively. Therefore, this variant has been classified as Likely Pathogenic.

Ambry Genetics
Classification: Likely pathogenic for Cardiovascular phenotype. Last evaluated: 2019-10-18. Review status: criteria provided, single submitter. Criteria: Ambry Variant Classification Scheme 2023. Collection method: clinical testing. Allele origin: germline.
Comment: The p.S13933* variant (also known as c.41798C>A), located in coding exon 151 of the TTN gene, results from a C to A substitution at nucleotide position 41798. This changes the amino acid from a serine to a stop codon within coding exon 151. This exon is located in the A-band region of the N2-B isoform of the titin protein and is constitutively expressed in TTN transcripts (percent spliced in or PSI 100%). This alteration is expected to result in loss of function by premature protein truncation or nonsense-mediated mRNA decay. While truncating variants in TTN are present in 1-3% of the general population, truncating variants in the A-band are the most common cause of dilated cardiomyopathy (DCM) (Herman DS et al. N. Engl. J. Med., 2012 Feb;366:619-28; Roberts AM et al. Sci Transl Med, 2015 Jan;7:270ra6). TTN truncating variants encoded in constitutive exons (PSI >90%) have been found to be significantly associated with DCM regardless of their position in titin (Schafer S et al. Nat. Genet., 2017 01;49:46-53). As such, this alteration is classified as likely pathogenic.

Literature cited by the submitters: PubMed 25589632 (cited by Labcorp Genetics (formerly Invitae), Labcorp); PubMed 23975875 (cited by Labcorp Genetics (formerly Invitae), Labcorp).